The following is an entry in ClinVar:

NM_022051.3(EGLN1):c.1022G>C (p.Gly341Ala)

Gene: EGLN1 (egl-9 family hypoxia inducible factor 1; minus strand). Cytogenetic location: 1q42.2.
Variant type: single nucleotide variant.
Coding change: c.1022G>C on transcript NM_022051.3 (MANE Select); coding-DNA position 1022, G replaced by C.
Protein change: p.Gly341Ala; replaces glycine 341 with alanine.
Molecular consequence: missense variant. On other transcripts: intron variant (1).
Genome position (GRCh38, 1-based): chr1:231,370,688, C>G on the plus strand (G>C on the coding strand, the complement: EGLN1 is on the minus strand). VCF-style: chr1-231370688-C-G. GRCh37 (hg19) VCF-style: chr1-231506434-C-G.
Other names: c.1012-3052G>C (NM_001377261.1); c.1022G>C, p.Gly341Ala (NM_001377260.1); short protein forms G341A.
Identifiers: ClinVar variation 1717163 (VCV001717163.5), dbSNP rs2527228551, ClinGen allele CA345240630.
Genomic context (GRCh38, chr1:231,370,688, plus strand): 5'-TCAAATTTGGGTTCAATGTCAGCAAACTGGGCTTTGCCTTCTGGAAAAATTCGAAGTATA[C>G]CTCCACTTACCTAGGAAAAGAGCCAAATATGTAAGCAGGAGTAACCAAAAATGCTACAAG-3'
Protein context (NP_071334.1, residues 331-351): NKDWDAKVSG[Gly341Ala]ILRIFPEGKA

ClinVar aggregate classification (germline): Uncertain significance (1 of 4 stars; one submission).

Conditions:
Erythrocytosis, familial, 3 (ECYT3). Identifiers: Orphanet 247511, MedGen C1853286, MONDO:0012353, OMIM 609820.

Submission:

Labcorp Genetics (formerly Invitae), Labcorp
Classification: Uncertain significance for Erythrocytosis, familial, 3. Last evaluated: 2022-08-20. Review status: criteria provided, single submitter. Criteria: Invitae Variant Classification Sherloc (09022015). Collection method: clinical testing. Allele origin: germline.
Comment: In summary, the available evidence is currently insufficient to determine the role of this variant in disease. Therefore, it has been classified as a Variant of Uncertain Significance. Algorithms developed to predict the effect of missense changes on protein structure and function (SIFT, PolyPhen-2, Align-GVGD) all suggest that this variant is likely to be disruptive. This variant has not been reported in the literature in individuals affected with EGLN1-related conditions. This variant is not present in population databases (gnomAD no frequency). This sequence change replaces glycine, which is neutral and non-polar, with alanine, which is neutral and non-polar, at codon 341 of the EGLN1 protein (p.Gly341Ala).